The following is an entry in ClinVar:

NM_001048174.2(MUTYH):c.154T>C (p.Ser52Pro)

Gene: MUTYH (mutY DNA glycosylase; minus strand). Cytogenetic location: 1p34.1.
Variant type: single nucleotide variant.
Coding change: c.154T>C on transcript NM_001048174.2 (MANE Select); coding-DNA position 154, T replaced by C.
Protein change: p.Ser52Pro; replaces serine 52 with proline.
Molecular consequence: missense variant. On other transcripts: non-coding transcript variant (5), intron variant (5), 5 prime UTR variant (1).
Genome position (GRCh38, 1-based): chr1:45,333,523, A>G on the plus strand (T>C on the coding strand, the complement: MUTYH is on the minus strand). VCF-style: chr1-45333523-A-G. GRCh37 (hg19) VCF-style: chr1-45799195-A-G.
Other names: c.154T>C, p.Ser52Pro (NM_001407080.1, NM_001407081.1, NM_001407088.1 and 6 more transcripts); c.196T>C, p.Ser66Pro (NM_001407083.1, NM_001407085.1, NM_001407073.1); c.157T>C, p.Ser53Pro (NM_001407086.1, NM_001407071.1, NM_001407078.1 and 2 more transcripts); c.175T>C, p.Ser59Pro (NM_001407087.1); c.229T>C, p.Ser77Pro (NM_012222.3, NM_001407069.1); c.-92-26T>C (NM_001350651.2, NM_001407082.1); c.-97-26T>C (NM_001293192.2, NM_001293196.2, NM_001407091.1); c.70T>C, p.Ser24Pro (NM_001407075.1); and 4 more; short protein forms S53P, S63P, S66P, S80P, S59P, S77P, S24P, S52P.
Identifiers: ClinVar variation 4113539 (VCV004113539.1).

ClinVar aggregate classification (germline): Uncertain significance (1 of 4 stars; one submission).

Conditions:
Hereditary cancer-predisposing syndrome. Also called: Hereditary neoplastic syndrome; Neoplastic Syndromes, Hereditary; Tumor predisposition; Hereditary Cancer Syndrome. Identifiers: Orphanet 140162, MedGen C0027672, MeSH D009386, MONDO:0015356.

Submission:

Ambry Genetics
Classification: Uncertain significance for Hereditary cancer-predisposing syndrome. Last evaluated: 2025-08-27. Review status: criteria provided, single submitter. Criteria: Ambry Variant Classification Scheme 2023. Collection method: clinical testing. Allele origin: germline.
Comment: The p.S80P variant (also known as c.238T>C), located in coding exon 3 of the MUTYH gene, results from a T to C substitution at nucleotide position 238. The serine at codon 80 is replaced by proline, an amino acid with similar properties. This amino acid position is conserved. In addition, this alteration is predicted to be tolerated by in silico analysis. Based on the available evidence, the clinical significance of this variant remains unclear.